The following is an entry in ClinVar:

ClinVar aggregate classification (germline): Likely pathogenic. Review status: criteria provided, multiple submitters, no conflicts (2 of 4 stars). 3 submissions from 3 submitters: Likely pathogenic (3). Last evaluated 2024-04-06.

Conditions:
Inborn genetic diseases. Identifiers: MedGen C0950123, MeSH D030342.
Congenital microcephaly - severe encephalopathy - progressive cerebral atrophy syndrome. Also called: Asparagine synthetase deficiency; ASNS DEFICIENCY. Identifiers: Orphanet 391376, MedGen C3809971, MONDO:0014258, OMIM 615574.

Submissions (3):

Fulgent Genetics
Classification: Likely pathogenic for Congenital microcephaly - severe encephalopathy - progressive cerebral atrophy syndrome. Last evaluated: 2024-04-06. Review status: criteria provided, single submitter. Criteria: ACMG Guidelines, 2015. Collection method: clinical testing. Allele origin: germline.

Labcorp Genetics (formerly Invitae), Labcorp
Classification: Likely pathogenic. Last evaluated: 2019-05-27. Review status: criteria provided, single submitter. Criteria: Invitae Variant Classification Sherloc (09022015). Collection method: clinical testing. Allele origin: germline.
Comment: This sequence change affects a donor splice site in intron 11 of the ASNS gene. It is expected to disrupt RNA splicing and likely results in an absent or disrupted protein product. In summary, the currently available evidence indicates that the variant is pathogenic, but additional data are needed to prove that conclusively. Therefore, this variant has been classified as Likely Pathogenic. Donor and acceptor splice site variants typically lead to a loss of protein function (PMID: 16199547), and loss-of-function variants in ASNS are known to be pathogenic (PMID: 27422383, 30057589). Algorithms developed to predict the effect of sequence changes on RNA splicing suggest that this variant may disrupt the consensus splice site, but this prediction has not been confirmed by published transcriptional studies. This variant has not been reported in the literature in individuals with ASNS-related conditions. This variant is not present in population databases (ExAC no frequency).

Ambry Genetics
Classification: Likely pathogenic for Inborn genetic diseases. Last evaluated: 2018-11-08. Review status: criteria provided, single submitter. Criteria: Ambry exome assertion method (8-5-2015). Collection method: clinical testing. Allele origin: germline. Affected: yes. Observed: 1 variant allele.

Literature cited by the submitters: PubMed 16199547 (cited by Labcorp Genetics (formerly Invitae), Labcorp); PubMed 27422383 (cited by Labcorp Genetics (formerly Invitae), Labcorp); PubMed 30057589 (cited by Labcorp Genetics (formerly Invitae), Labcorp).

NM_001673.5(ASNS):c.1320+1G>C

Genes: ASNS (asparagine synthetase (glutamine-hydrolyzing); minus strand), CZ1P-ASNS (CZ1P-ASNS readthrough; minus strand). Cytogenetic location: 7q21.3.
Variant type: single nucleotide variant.
Coding change: c.1320+1G>C on transcript NM_001673.5 (MANE Select); the canonical splice donor site of the intron after coding-DNA position 1320, G replaced by C.
Molecular consequence: splice donor variant.
Genome position (GRCh38, 1-based): chr7:97,853,304, C>G on the plus strand (G>C on the coding strand, the complement: ASNS is on the minus strand). VCF-style: chr7-97853304-C-G. GRCh37 (hg19) VCF-style: chr7-97482616-C-G.
Other names: c.1320+1G>C (NM_133436.3, NM_001352496.2, NM_183356.4); c.1071+1G>C (NM_001178076.2, NM_001178077.1); c.1257+1G>C (NM_001178075.2).
Identifiers: ClinVar variation 842544 (VCV000842544.13), dbSNP rs1791277284, ClinGen allele CA368265002.
Genomic context (GRCh38, chr7:97,853,304, plus strand): 5'-TAAAAATTACAAATATAATCTGATGGCAATGGACAGTTTTACCTTGAGTTGATTTACCTA[C>G]CTTTGGAATTCTCATTTCTGGTGGCAGAGACAAGTAATAGGAAGAAAATCGATGATCTAG-3'